The following is an entry in ClinVar:

ClinVar aggregate classification (germline): Likely benign. Review status: criteria provided, multiple submitters, no conflicts (2 of 4 stars). 2 submissions from 2 submitters: Likely benign (2). Last evaluated 2023-08-15.

Conditions:
Marfan syndrome (MFS). Also called: MARFAN SYNDROME, TYPE I; Marfan syndrome type 1; Marfan's syndrome; Marfan syndrome, classic; FBN1-Related Marfan Syndrome. Identifiers: Orphanet 284963, Orphanet 558, MedGen C0024796, MONDO:0007947, OMIM 154700.
Familial thoracic aortic aneurysm and aortic dissection (TAAD). Also called: Thoracic aortic aneurysms and dissections. Identifiers: Orphanet 91387, MedGen C4707243, MONDO:0019625.

Allele frequency attached by ClinVar (database versions not stated): ExAC 0.00001; TOPMed 0.00002; ESP Exome Variant Server 0.00008.

Submissions (2):

All of Us Research Program, National Institutes of Health
Classification: Likely benign for Marfan syndrome. Last evaluated: 2023-08-15. Review status: criteria provided, single submitter. Criteria: ACMG Guidelines, 2015. Collection method: clinical testing. Allele origin: germline. Inheritance: Autosomal dominant inheritance. Observed: 2 variant alleles, 2 heterozygotes.
Comment: This study involves interpretation of variants in research participants for the purpose of population health screening. Participant phenotype was not available at the time of variant classification. Additional details can be found in publication PMID: 35346344, PMCID: PMC8962531

Color Diagnostics, LLC DBA Color Health
Classification: Likely benign for Familial thoracic aortic aneurysm and aortic dissection. Last evaluated: 2022-10-03. Review status: criteria provided, single submitter. Criteria: ACMG Guidelines, 2015. Collection method: clinical testing. Allele origin: germline.

NM_000138.5(FBN1):c.4211-3T>C

Genes: FBN1 (fibrillin 1; minus strand), LOC126862124 (CDK7 strongly-dependent group 2 enhancer GRCh37_chr15:48764566-48765765; plus strand). Cytogenetic location: 15q21.1.
Variant type: single nucleotide variant.
Coding change: c.4211-3T>C on transcript NM_000138.5 (MANE Select); 3 bases into the intron before coding-DNA position 4211, T replaced by C.
Molecular consequence: intron variant.
Genome position (GRCh38, 1-based): chr15:48,472,679, A>G on the plus strand (T>C on the coding strand, the complement: FBN1 is on the minus strand). VCF-style: chr15-48472679-A-G. GRCh37 (hg19) VCF-style: chr15-48764876-A-G.
Other names: c.4211-3T>C (NM_001406716.1).
Identifiers: ClinVar variation 3069317 (VCV003069317.2), dbSNP rs369906464, ClinGen allele CA052296.
Genomic context (GRCh38, chr15:48,472,679, plus strand): 5'-GCATTGAGGCACTGGCCATTGCCACAGAGATTCAGGTTCTCAGAGCACTCATCAAGGTCT[A>G]CAGCCAGAAAGAAACACACGTTACTCTTCCTCGGTTAGGGGCTTTCTAATTCCTCAGGTC-3'